The following is an entry in ClinVar:

NM_001903.5(CTNNA1):c.14A>G (p.His5Arg)

Gene: CTNNA1 (catenin alpha 1; plus strand). Cytogenetic location: 5q31.2.
Variant type: single nucleotide variant.
Coding change: c.14A>G on transcript NM_001903.5 (MANE Select); coding-DNA position 14, A replaced by G.
Protein change: p.His5Arg; replaces histidine 5 with arginine.
Molecular consequence: missense variant. On other transcripts: 5 prime UTR variant (2).
Genome position (GRCh38, 1-based): chr5:138,781,938, A>G. VCF-style: chr5-138781938-A-G. GRCh37 (hg19) VCF-style: chr5-138117627-A-G.
Other names: c.14A>G, p.His5Arg (NM_001290307.3, NM_001323982.2, NM_001323983.1 and 3 more transcripts); c.-100A>G (NM_001290309.3); c.-193A>G (NM_001290310.3); short protein forms H5R.
Identifiers: ClinVar variation 819390 (VCV000819390.9), dbSNP rs1580977954, ClinGen allele CA361477045.

ClinVar aggregate classification (germline): Uncertain significance. Review status: criteria provided, multiple submitters, no conflicts (2 of 4 stars). 2 submissions from 2 submitters: Uncertain significance (2). Last evaluated 2025-09-12.

Conditions:
Hereditary cancer-predisposing syndrome. Also called: Tumor predisposition; Hereditary neoplastic syndrome; Neoplastic Syndromes, Hereditary; Hereditary Cancer Syndrome. Identifiers: Orphanet 140162, MedGen C0027672, MeSH D009386, MONDO:0015356.

Allele frequency attached by ClinVar (database versions not stated): gnomAD exomes below 0.00001.
gnomAD v4.1: 1 of 1,591,966 alleles (0.000063%); highest among the groups gnomAD compares: Non-Finnish European, 0.000085%; no homozygotes.

Submissions (2):

Labcorp Genetics (formerly Invitae), Labcorp
Classification: Uncertain significance. Last evaluated: 2025-09-12. Review status: criteria provided, single submitter. Criteria: Invitae Variant Classification Sherloc (09022015). Collection method: clinical testing. Allele origin: germline.
Comment: This sequence change replaces histidine, which is basic and polar, with arginine, which is basic and polar, at codon 5 of the CTNNA1 protein (p.His5Arg). This variant is not present in population databases (gnomAD no frequency). This variant has not been reported in the literature in individuals affected with CTNNA1-related conditions. ClinVar contains an entry for this variant (Variation ID: 819390). An algorithm developed to predict the effect of missense changes on protein structure and function (PolyPhen-2) suggests that this variant is likely to be tolerated. In summary, the available evidence is currently insufficient to determine the role of this variant in disease. Therefore, it has been classified as a Variant of Uncertain Significance.

Ambry Genetics
Classification: Uncertain significance for Hereditary cancer-predisposing syndrome. Last evaluated: 2019-02-28. Review status: criteria provided, single submitter. Criteria: Ambry Variant Classification Scheme 2023. Collection method: clinical testing. Allele origin: germline.
Comment: The p.H5R variant (also known as c.14A>G), located in coding exon 1 of the CTNNA1 gene, results from an A to G substitution at nucleotide position 14. The histidine at codon 5 is replaced by arginine, an amino acid with highly similar properties. This amino acid position is not well conserved in available vertebrate species. In addition, this alteration is predicted to be tolerated by in silico analysis. Since supporting evidence is limited at this time, the clinical significance of this alteration remains unclear.